The following is an entry in ClinVar:

ClinVar aggregate classification (germline): Likely pathogenic (1 of 4 stars; one submission).

Conditions:
Holocarboxylase synthetase deficiency. Also called: MULTIPLE CARBOXYLASE DEFICIENCY, EARLY ONSET. Identifiers: Orphanet 79242, MedGen C0268581, MONDO:0009666, OMIM 253270.

gnomAD v4.1: 1 of 1,614,022 alleles (0.000062%); highest among the groups gnomAD compares: Non-Finnish European, 0.000085%; no homozygotes.

Submission:

Natera, Inc.
Classification: Likely pathogenic for Holocarboxylase synthetase deficiency. Last evaluated: 2024-08-29. Review status: criteria provided, single submitter. Criteria: Natera Variant Classification Schema (03/2026). Collection method: clinical testing. Allele origin: germline.
Comment: The c.1385C>T variant in HLCS is a missense variant predicted to cause substitution of threonine to isoleucine at amino acid 462. This variant is rare in the general population with a frequency below the threshold expected for the associated phenotype(s). This variant has been observed in one or more individuals affected with the associated recessive disease, as either homozygous or compound heterozygous with a second variant (PMID: 11735028). Functional studies show that this variant may disrupt protein function (PMID: 10190325). Computational prediction algorithms indicate this variant is likely to affect gene or protein function. Given the available evidence, this variant is classified as Likely Pathogenic.

Literature cited by the submitters: PubMed 11735028; PubMed 10190325.

NM_001352514.2(HLCS):c.1826C>T (p.Thr609Ile)

Gene: HLCS (holocarboxylase synthetase; minus strand). Cytogenetic location: 21q22.13.
Variant type: single nucleotide variant.
Coding change: c.1826C>T on transcript NM_001352514.2 (MANE Select); coding-DNA position 1826, C replaced by T.
Protein change: p.Thr609Ile; replaces threonine 609 with isoleucine.
Molecular consequence: missense variant. On other transcripts: non-coding transcript variant (2).
Genome position (GRCh38, 1-based): chr21:36,896,926, G>A on the plus strand (C>T on the coding strand, the complement: HLCS is on the minus strand). VCF-style: chr21-36896926-G-A. GRCh37 (hg19) VCF-style: chr21-38269226-G-A.
Other names: c.1385C>T, p.Thr462Ile (NM_000411.8, NM_001242784.3, NM_001242785.2 and 4 more transcripts); short protein forms T462I, T609I.
Identifiers: ClinVar variation 4818325 (VCV004818325.1).